The following is an entry in ClinVar:

ClinVar aggregate classification (germline): Uncertain significance (1 of 4 stars; one submission).

gnomAD v4.1: 2 of 1,613,602 alleles (0.00012%); highest among the groups gnomAD compares: African/African-American, 0.0027%; no homozygotes.

Submission:

GeneDx
Classification: Uncertain significance. Last evaluated: 2026-02-01. Review status: criteria provided, single submitter. Criteria: GeneDx Variant Classification Process June 2021. Collection method: clinical testing. Allele origin: germline.
Comment: Not observed at significant frequency in large population cohorts (gnomAD); In silico analysis supports that this missense variant has a deleterious effect on protein structure/function; Has not been previously published as pathogenic or benign to our knowledge

NM_002454.3(MTRR):c.2077C>T (p.Leu693Phe)

Gene: MTRR (5-methyltetrahydrofolate-homocysteine methyltransferase reductase; plus strand). Cytogenetic location: 5p15.31.
Variant type: single nucleotide variant.
Coding change: c.2077C>T on transcript NM_002454.3 (MANE Select); coding-DNA position 2077, C replaced by T.
Protein change: p.Leu693Phe; replaces leucine 693 with phenylalanine.
Molecular consequence: missense variant. On other transcripts: non-coding transcript variant (14).
Genome position (GRCh38, 1-based): chr5:7,900,038, C>T. VCF-style: chr5-7900038-C-T. GRCh37 (hg19) VCF-style: chr5-7900151-C-T.
Other names: c.2077C>T, p.Leu693Phe (NM_001364440.2, NM_001364441.2, NM_001364442.2 and 1 more transcripts); short protein forms L693F.
Identifiers: ClinVar variation 4976011 (VCV004976011.1).
Genomic context (GRCh38, chr5:7,900,038, plus strand): 5'-GGAGTTGAAAAACTAGAAGCAATGAAAACCCTGGCCACTTTAAAAGAAGAAAAACGCTAC[C>T]TTCAGGATATTTGGTCATAAAACCAGAAATTAAAGAAAGAGGATTAAGCTTTTTTGACTG-3'
Protein context (NP_002445.2, residues 683-698): LATLKEEKRY[Leu693Phe]QDIWS